The following is an entry in ClinVar:

NM_001458.5(FLNC):c.5398+1G>C

Genes: FLNC (filamin C; plus strand), FLNC-AS1 (FLNC antisense RNA 1; minus strand). Cytogenetic location: 7q32.1.
Variant type: single nucleotide variant.
Coding change: c.5398+1G>C on transcript NM_001458.5 (MANE Select); the canonical splice donor site of the intron after coding-DNA position 5398, G replaced by C.
Molecular consequence: splice donor variant.
Genome position (GRCh38, 1-based): chr7:128,850,484, G>C. VCF-style: chr7-128850484-G-C. GRCh37 (hg19) VCF-style: chr7-128490538-G-C.
Other names: c.5299+1G>C (NM_001127487.2).
Identifiers: ClinVar variation 835098 (VCV000835098.9), dbSNP rs1808761665, ClinGen allele CA369205448.

ClinVar aggregate classification (germline): Likely pathogenic. Review status: criteria provided, multiple submitters, no conflicts (2 of 4 stars). 2 submissions from 2 submitters: Likely pathogenic (2). Last evaluated 2025-09-05.

Conditions:
Cardiovascular phenotype. Identifiers: MedGen CN230736.
Myofibrillar myopathy 5. Also called: FILAMINOPATHY, AUTOSOMAL DOMINANT; Filaminopathy (type). Identifiers: Orphanet 171445, MedGen C1836050, MONDO:0012289, OMIM 609524.
Distal myopathy with posterior leg and anterior hand involvement. Also called: WILLIAMS DISTAL MYOPATHY. Identifiers: Orphanet 63273, MedGen C3279722, MONDO:0013550, OMIM 614065.
Hypertrophic cardiomyopathy 26. Also called: Cardiomyopathy, familial hypertrophic, 26. Identifiers: Orphanet 75249, MedGen C4310749, MONDO:0014883, OMIM 617047.

Submissions (2):

Ambry Genetics
Classification: Likely pathogenic for Cardiovascular phenotype. Last evaluated: 2025-09-05. Review status: criteria provided, single submitter. Criteria: Ambry Variant Classification Scheme 2023. Collection method: clinical testing. Allele origin: germline.
Comment: The c.5398+1G>C intronic variant results from a G to C substitution one nucleotide after coding exon 32 of the FLNC gene. This nucleotide position is highly conserved in available vertebrate species. In silico splice site analysis predicts that this alteration will weaken the native splice donor site. This variant is considered to be rare based on population cohorts in the Genome Aggregation Database (gnomAD). This variant was reported in individual(s) with features consistent with FLNC-related dilated cardiomyopathy (Ambry internal data). Alterations that disrupt the canonical splice site are expected to cause aberrant splicing, resulting in an abnormal protein or a transcript that is subject to nonsense-mediated mRNA decay. Based on the supporting evidence, this variant is expected to be causative of FLNC-related dilated cardiomyopathy; however, its clinical significance for FLNC-related hypertrophic/restrictive cardiomyopathy and/or skeletal myopathy is unclear.

Labcorp Genetics (formerly Invitae), Labcorp
Classification: Likely pathogenic for Distal myopathy with posterior leg and anterior hand involvement; Myofibrillar myopathy 5; Hypertrophic cardiomyopathy 26. Last evaluated: 2019-05-15. Review status: criteria provided, single submitter. Criteria: Invitae Variant Classification Sherloc (09022015). Collection method: clinical testing. Allele origin: germline.
Comment: In summary, the currently available evidence indicates that the variant is pathogenic, but additional data are needed to prove that conclusively. Therefore, this variant has been classified as Likely Pathogenic. Donor and acceptor splice site variants typically lead to a loss of protein function (PMID: 16199547), and loss-of-function variants in FLNC are known to be pathogenic (PMID: 27908349). Algorithms developed to predict the effect of sequence changes on RNA splicing suggest that this variant may disrupt the consensus splice site, but this prediction has not been confirmed by published transcriptional studies. This variant has not been reported in the literature in individuals with FLNC-related conditions. This variant is not present in population databases (ExAC no frequency). This sequence change affects a donor splice site in intron 32 of the FLNC gene. It is expected to disrupt RNA splicing and likely results in an absent or disrupted protein product.

Literature cited by the submitters: PubMed 16199547 (cited by Labcorp Genetics (formerly Invitae), Labcorp); PubMed 27908349 (cited by Labcorp Genetics (formerly Invitae), Labcorp).